The following is an entry in ClinVar:

ClinVar aggregate classification (germline): Conflicting classifications of pathogenicity. Review status: criteria provided, conflicting classifications (1 of 4 stars). 3 submissions from 3 submitters: Uncertain significance (1); Likely benign (2). Last evaluated 2026-01-07.

Conditions:
Cardiovascular phenotype. Identifiers: MedGen CN230736.
Danon disease. Also called: Glycogen Storage Disease Type IIb; ANTOPOL DISEASE; PSEUDOGLYCOGENOSIS II; GSD IIb; LYSOSOMAL GLYCOGEN STORAGE DISEASE WITHOUT ACID MALTASE DEFICIENCY. Identifiers: Orphanet 34587, MedGen C0878677, MONDO:0010281, OMIM 300257.

Allele frequency attached by ClinVar (database versions not stated): ExAC 0.00001; gnomAD exomes 0.00001 and 0.00003; TOPMed 0.00001.
gnomAD v4.1: 9 of 1,210,114 alleles (0.00074%); highest among the groups gnomAD compares: Admixed American, 0.015%; no homozygotes.

Submissions (3):

Ambry Genetics
Classification: Likely benign for Cardiovascular phenotype. Last evaluated: 2026-01-07. Review status: criteria provided, single submitter. Criteria: Ambry Variant Classification Scheme 2023. Collection method: clinical testing. Allele origin: germline.

Labcorp Genetics (formerly Invitae), Labcorp
Classification: Likely benign for Danon disease. Last evaluated: 2025-11-09. Review status: criteria provided, single submitter. Criteria: Invitae Variant Classification Sherloc (09022015). Collection method: clinical testing. Allele origin: germline.

Center for Genomics, Ann and Robert H. Lurie Children's Hospital of Chicago
Classification: Uncertain significance for Danon disease. Last evaluated: 2021-03-30. Review status: criteria provided, single submitter. Criteria: ACMG Guidelines, 2015. Collection method: clinical testing. Allele origin: germline.
Comment: LAMP2 NM_002294.2 exon 5 p.Pro214Thr (c.640C>A): This variant has not been reported in the literature but is present in 5/26579 Latino alleles, including 1 hemizygote, in the Genome Aggregation Database. Evolutionary conservation and computational predictive tools for this variant are unclear. In summary, data on this variant is insufficient for disease classification. Therefore, the clinical significance of this variant is uncertain.

NM_002294.3(LAMP2):c.640C>A (p.Pro214Thr)

Gene: LAMP2 (lysosome associated membrane protein 2; minus strand). Cytogenetic location: Xq24.
Variant type: single nucleotide variant.
Coding change: c.640C>A on transcript NM_002294.3 (MANE Select); coding-DNA position 640, C replaced by A.
Protein change: p.Pro214Thr; replaces proline 214 with threonine.
Molecular consequence: missense variant.
Genome position (GRCh38, 1-based): chrX:120,447,942, G>T on the plus strand (C>A on the coding strand, the complement: LAMP2 is on the minus strand). VCF-style: chrX-120447942-G-T. GRCh37 (hg19) VCF-style: chrX-119581797-G-T.
Other names: c.640C>A, p.Pro214Thr (NM_001122606.1, NM_013995.2); short protein forms P214T.
Identifiers: ClinVar variation 656952 (VCV000656952.14), dbSNP rs776101722, ClinGen allele CA10505277.